The following is an entry in ClinVar:

NM_001111.5(ADAR):c.2282A>T (p.Gln761Leu)

Gene: ADAR (adenosine deaminase RNA specific; minus strand). Cytogenetic location: 1q21.3.
Variant type: single nucleotide variant.
Coding change: c.2282A>T on transcript NM_001111.5 (MANE Select); coding-DNA position 2282, A replaced by T.
Protein change: p.Gln761Leu; replaces glutamine 761 with leucine.
Molecular consequence: missense variant.
Genome position (GRCh38, 1-based): chr1:154,590,398, T>A on the plus strand (A>T on the coding strand, the complement: ADAR is on the minus strand). VCF-style: chr1-154590398-T-A. GRCh37 (hg19) VCF-style: chr1-154562874-T-A.
Other names: c.1397A>T, p.Gln466Leu (NM_001365049.1, NM_001025107.3, NM_001193495.2 and 3 more transcripts); c.2282A>T, p.Gln761Leu (NM_015840.4); c.2225A>T, p.Gln742Leu (NM_015841.4); c.2309A>T, p.Gln770Leu (NM_001365045.1); short protein forms Q770L, Q466L, Q742L, Q761L.
Identifiers: ClinVar variation 2923190 (VCV002923190.3), dbSNP rs2526525483, ClinGen allele CA342637595.

ClinVar aggregate classification (germline): Uncertain significance (1 of 4 stars; one submission).

Conditions:
Aicardi-Goutieres syndrome 6 (AGS6). Identifiers: Orphanet 51, MedGen C3539013, MONDO:0014007, OMIM 615010.
Symmetrical dyschromatosis of extremities (DSH). Also called: RETICULATE ACROPIGMENTATION OF DOHI; SYMMETRIC DYSCHROMATOSIS OF THE EXTREMITIES; Dyschromatosis symmetrica hereditaria; DYSCHROMATOSIS SYMMETRICA HEREDITARIA 1. Identifiers: Orphanet 41, MedGen C0406775, MONDO:0007483, OMIM 127400.

Submission:

Labcorp Genetics (formerly Invitae), Labcorp
Classification: Uncertain significance for Aicardi-Goutieres syndrome 6; Symmetrical dyschromatosis of extremities. Last evaluated: 2025-09-02. Review status: criteria provided, single submitter. Criteria: Invitae Variant Classification Sherloc (09022015). Collection method: clinical testing. Allele origin: germline.
Comment: This sequence change replaces glutamine, which is neutral and polar, with leucine, which is neutral and non-polar, at codon 761 of the ADAR protein (p.Gln761Leu). This variant is not present in population databases (gnomAD no frequency). This variant has not been reported in the literature in individuals affected with ADAR-related conditions. ClinVar contains an entry for this variant (Variation ID: 2923190). Invitae Evidence Modeling of protein sequence and biophysical properties (such as structural, functional, and spatial information, amino acid conservation, physicochemical variation, residue mobility, and thermodynamic stability) has been performed for this missense variant. However, the output from this modeling did not meet the statistical confidence thresholds required to predict the impact of this variant on ADAR protein function. In summary, the available evidence is currently insufficient to determine the role of this variant in disease. Therefore, it has been classified as a Variant of Uncertain Significance.